The following is an entry in ClinVar:

ClinVar aggregate classification (germline): Uncertain significance. Review status: criteria provided, multiple submitters, no conflicts (2 of 4 stars). 2 submissions from 2 submitters: Uncertain significance (2). Last evaluated 2024-06-12.

Conditions:
Inborn genetic diseases. Identifiers: MedGen C0950123, MeSH D030342.

Allele frequency attached by ClinVar (database versions not stated): ExAC 0.00001; gnomAD 0.00001; TOPMed 0.00001.
gnomAD v4.1: 4 of 1,613,768 alleles (0.00025%); highest among the groups gnomAD compares: Admixed American, 0.0017%; no homozygotes.

Submissions (2):

Labcorp Genetics (formerly Invitae), Labcorp
Classification: Uncertain significance. Last evaluated: 2024-06-12. Review status: criteria provided, single submitter. Criteria: Invitae Variant Classification Sherloc (09022015). Collection method: clinical testing. Allele origin: germline.
Comment: This sequence change replaces isoleucine, which is neutral and non-polar, with valine, which is neutral and non-polar, at codon 1480 of the NBAS protein (p.Ile1480Val). This variant is present in population databases (rs775160984, gnomAD 0.0009%). This variant has not been reported in the literature in individuals affected with NBAS-related conditions. ClinVar contains an entry for this variant (Variation ID: 1939881). Advanced modeling of protein sequence and biophysical properties (such as structural, functional, and spatial information, amino acid conservation, physicochemical variation, residue mobility, and thermodynamic stability) performed at Invitae indicates that this missense variant is not expected to disrupt NBAS protein function with a negative predictive value of 95%. In summary, the available evidence is currently insufficient to determine the role of this variant in disease. Therefore, it has been classified as a Variant of Uncertain Significance.

Ambry Genetics
Classification: Uncertain significance for Inborn genetic diseases. Last evaluated: 2023-11-29. Review status: criteria provided, single submitter. Criteria: Ambry Variant Classification Scheme 2023. Collection method: clinical testing. Allele origin: germline.

NM_015909.4(NBAS):c.4438A>G (p.Ile1480Val)

Gene: NBAS (NBAS subunit of NRZ tethering complex; minus strand). Cytogenetic location: 2p24.3.
Variant type: single nucleotide variant.
Coding change: c.4438A>G on transcript NM_015909.4 (MANE Select); coding-DNA position 4438, A replaced by G.
Protein change: p.Ile1480Val; replaces isoleucine 1480 with valine.
Molecular consequence: missense variant. On other transcripts: non-coding transcript variant (1).
Genome position (GRCh38, 1-based): chr2:15,328,222, T>C on the plus strand (A>G on the coding strand, the complement: NBAS is on the minus strand). VCF-style: chr2-15328222-T-C. GRCh37 (hg19) VCF-style: chr2-15468346-T-C.
Other names: c.4438A>G (NM_015909.2); short protein forms I1480V.
Identifiers: ClinVar variation 1939881 (VCV001939881.6), dbSNP rs775160984, ClinGen allele CA1535651.